The following is an entry in ClinVar:

ClinVar aggregate classification (germline): Conflicting classifications of pathogenicity. Review status: criteria provided, conflicting classifications (1 of 4 stars). 2 submissions from 2 submitters: Uncertain significance (1); Likely benign (1). Last evaluated 2025-10-30.

Conditions:
Epilepsy. Also called: Seizure disorder. Identifiers: MedGen C0014544, MeSH D004827, MONDO:0005027.
PIGQ-related disorder. Also called: PIGQ-related condition.

Allele frequency attached by ClinVar (database versions not stated): gnomAD exomes below 0.00001; gnomAD 0.00001.
gnomAD v4.1: 6 of 1,609,398 alleles (0.00037%); highest among the groups gnomAD compares: African/African-American, 0.0013%; no homozygotes.

Submissions (2):

PreventionGenetics, part of Exact Sciences
Classification: Likely benign for PIGQ-related condition. Last evaluated: 2025-10-30. Review status: criteria provided, single submitter. Criteria: ACMG Guidelines, 2015. Collection method: clinical testing. Allele origin: germline.
Comment: This variant is classified as likely benign based on ACMG/AMP sequence variant interpretation guidelines (Richards et al. 2015 PMID: 25741868, with internal and published modifications).

Labcorp Genetics (formerly Invitae), Labcorp
Classification: Uncertain significance for Epilepsy. Last evaluated: 2022-04-22. Review status: criteria provided, single submitter. Criteria: Invitae Variant Classification Sherloc (09022015). Collection method: clinical testing. Allele origin: germline.
Comment: In summary, the available evidence is currently insufficient to determine the role of this variant in disease. Therefore, it has been classified as a Variant of Uncertain Significance. Variants that disrupt the consensus splice site are a relatively common cause of aberrant splicing (PMID: 17576681, 9536098). Algorithms developed to predict the effect of sequence changes on RNA splicing suggest that this variant is not likely to affect RNA splicing. This variant has not been reported in the literature in individuals affected with PIGQ-related conditions. This variant is not present in population databases (gnomAD no frequency). This sequence change falls in intron 6 of the PIGQ gene. It does not directly change the encoded amino acid sequence of the PIGQ protein. It affects a nucleotide within the consensus splice site.

Literature cited by the submitters: PubMed 17576681 (cited by Labcorp Genetics (formerly Invitae), Labcorp); PubMed 9536098 (cited by Labcorp Genetics (formerly Invitae), Labcorp).

NM_004204.5(PIGQ):c.1223+3G>A

Gene: PIGQ (phosphatidylinositol glycan anchor biosynthesis class Q; plus strand). Cytogenetic location: 16p13.3.
Variant type: single nucleotide variant.
Coding change: c.1223+3G>A on transcript NM_004204.5 (MANE Select); 3 bases into the intron after coding-DNA position 1223, G replaced by A.
Molecular consequence: intron variant.
Genome position (GRCh38, 1-based): chr16:578,941, G>A. VCF-style: chr16-578941-G-A. GRCh37 (hg19) VCF-style: chr16-628941-G-A.
Other names: c.1223+3G>A (NM_004204.3, NM_148920.4).
Identifiers: ClinVar variation 1982558 (VCV001982558.5), dbSNP rs2035766692, ClinGen allele CA973631250.
Genomic context (GRCh38, chr16:578,941, plus strand): 5'-CGGACATTATCGCCCTCCTCACCTTCCACATCTACTGCTTTTACGTCTATGGAGCCAGGT[G>A]GGCGTGGGCTTCCCCCTCCCCACCGCCCCCTGGGAGGTGCAGAGGCTCCGGCTGGGCGGG-3'